The following is an entry in ClinVar:

NM_000170.3(GLDC):c.2966T>C (p.Ile989Thr)

Gene: GLDC (glycine decarboxylase; minus strand). Cytogenetic location: 9p24.1.
Variant type: single nucleotide variant.
Coding change: c.2966T>C on transcript NM_000170.3 (MANE Select); coding-DNA position 2966, T replaced by C.
Protein change: p.Ile989Thr; replaces isoleucine 989 with threonine.
Molecular consequence: missense variant.
Genome position (GRCh38, 1-based): chr9:6,533,114, A>G on the plus strand (T>C on the coding strand, the complement: GLDC is on the minus strand). VCF-style: chr9-6533114-A-G. GRCh37 (hg19) VCF-style: chr9-6533114-A-G.
Other names: short protein forms I989T.
Identifiers: ClinVar variation 970985 (VCV000970985.7), dbSNP rs149336868, ClinGen allele CA4979986.

ClinVar aggregate classification (germline): Uncertain significance. Review status: criteria provided, multiple submitters, no conflicts (2 of 4 stars). 3 submissions from 3 submitters: Uncertain significance (2). 1 of the submissions does not count toward it. Last evaluated 2024-09-18.

Conditions:
Glycine encephalopathy. Also called: Nonketotic hyperglycinemia; Non-ketotic hyperglycinemia. Identifiers: Orphanet 407, MedGen C0751748, MONDO:0011612, HP:0008288.

Allele frequency attached by ClinVar (database versions not stated): ExAC 0.00002; gnomAD 0.00002; TOPMed 0.00003; gnomAD exomes 0.00004 and 0.00011; ESP Exome Variant Server 0.00008.
gnomAD v4.1: 162 of 1,612,504 alleles (0.01%); highest among the groups gnomAD compares: Non-Finnish European, 0.013%; no homozygotes.

Submissions (3):

Blueprint Genetics
Classification: Uncertain significance. Last evaluated: 2024-09-18. Review status: criteria provided, single submitter. Criteria: ACMG Guidelines, 2015. Collection method: clinical testing. Allele origin: germline.

Labcorp Genetics (formerly Invitae), Labcorp
Classification: Uncertain significance for Glycine encephalopathy. Last evaluated: 2022-09-19. Review status: criteria provided, single submitter. Criteria: Invitae Variant Classification Sherloc (09022015). Collection method: clinical testing. Allele origin: germline.
Comment: This sequence change replaces isoleucine, which is neutral and non-polar, with threonine, which is neutral and polar, at codon 989 of the GLDC protein (p.Ile989Thr). This variant is present in population databases (rs149336868, gnomAD 0.007%). This variant has not been reported in the literature in individuals affected with GLDC-related conditions. ClinVar contains an entry for this variant (Variation ID: 970985). Advanced modeling of protein sequence and biophysical properties (such as structural, functional, and spatial information, amino acid conservation, physicochemical variation, residue mobility, and thermodynamic stability) performed at Invitae indicates that this missense variant is not expected to disrupt GLDC protein function. In summary, the available evidence is currently insufficient to determine the role of this variant in disease. Therefore, it has been classified as a Variant of Uncertain Significance.

Natera, Inc.
Classification: Uncertain significance for Non-ketotic hyperglycinemia. Last evaluated: 2020-02-21. Review status: no assertion criteria provided. Collection method: clinical testing. Allele origin: germline. Not counted in ClinVar's aggregate classification.